The following is an entry in ClinVar:

ClinVar aggregate classification (germline): Uncertain significance. Review status: criteria provided, multiple submitters, no conflicts (2 of 4 stars). 2 submissions from 2 submitters: Uncertain significance (2). Last evaluated 2024-04-09.

Conditions:
Neuronopathy, distal hereditary motor, type 7A. Also called: Neuronopathy, distal hereditary motor, type viia; HARPER-YOUNG MYOPATHY; HMN VIIA; SPINAL MUSCULAR ATROPHY, DISTAL, WITH VOCAL CORD PARALYSIS; NEURONOPATHY, DISTAL HEREDITARY MOTOR, HARDING TYPE VIIA; NEUROPATHY, DISTAL HEREDITARY MOTOR, HARDING TYPE VIIA. Identifiers: Orphanet 139589, MedGen C1834703, MONDO:0008024, OMIM 158580.
Congenital myasthenic syndrome 20. Also called: Myasthenic syndrome, congenital, 20, presynaptic. Identifiers: MedGen C4310694, MONDO:0014939, OMIM 617143.
Inborn genetic diseases. Identifiers: MedGen C0950123, MeSH D030342.

Allele frequency attached by ClinVar (database versions not stated): gnomAD exomes below 0.00001; gnomAD 0.00001; TOPMed 0.00001; ExAC 0.00002.
gnomAD v4.1: 8 of 1,613,736 alleles (0.0005%); highest among the groups gnomAD compares: Non-Finnish European, 0.00068%; no homozygotes.

Submissions (2):

Labcorp Genetics (formerly Invitae), Labcorp
Classification: Uncertain significance for Neuronopathy, distal hereditary motor, type 7A; Congenital myasthenic syndrome 20. Last evaluated: 2024-04-09. Review status: criteria provided, single submitter. Criteria: Invitae Variant Classification Sherloc (09022015). Collection method: clinical testing. Allele origin: germline.
Comment: This sequence change replaces valine, which is neutral and non-polar, with isoleucine, which is neutral and non-polar, at codon 77 of the SLC5A7 protein (p.Val77Ile). This variant is present in population databases (rs766603898, gnomAD 0.002%). This variant has not been reported in the literature in individuals affected with SLC5A7-related conditions. ClinVar contains an entry for this variant (Variation ID: 1789234). Advanced modeling of protein sequence and biophysical properties (such as structural, functional, and spatial information, amino acid conservation, physicochemical variation, residue mobility, and thermodynamic stability) performed at Invitae indicates that this missense variant is not expected to disrupt SLC5A7 protein function with a negative predictive value of 80%. In summary, the available evidence is currently insufficient to determine the role of this variant in disease. Therefore, it has been classified as a Variant of Uncertain Significance.

Ambry Genetics
Classification: Uncertain significance for Inborn genetic diseases. Last evaluated: 2022-06-09. Review status: criteria provided, single submitter. Criteria: Ambry Variant Classification Scheme 2023. Collection method: clinical testing. Allele origin: germline.
Comment: The p.V77I variant (also known as c.229G>A), located in coding exon 2 of the SLC5A7 gene, results from a G to A substitution at nucleotide position 229. The valine at codon 77 is replaced by isoleucine, an amino acid with highly similar properties. This amino acid position is conserved. In addition, this alteration is predicted to be tolerated by in silico analysis. Since supporting evidence is limited at this time, the clinical significance of this alteration remains unclear.

NM_021815.5(SLC5A7):c.229G>A (p.Val77Ile)

Gene: SLC5A7 (solute carrier family 5 member 7; plus strand). Cytogenetic location: 2q12.3.
Variant type: single nucleotide variant.
Coding change: c.229G>A on transcript NM_021815.5 (MANE Select); coding-DNA position 229, G replaced by A.
Protein change: p.Val77Ile; replaces valine 77 with isoleucine.
Molecular consequence: missense variant. On other transcripts: 5 prime UTR variant (2).
Genome position (GRCh38, 1-based): chr2:107,992,156, G>A. VCF-style: chr2-107992156-G-A. GRCh37 (hg19) VCF-style: chr2-108608612-G-A.
Other names: c.229G>A, p.Val77Ile (NM_001305005.3); c.-87G>A (NM_001305006.3); c.-476G>A (NM_001305007.3); short protein forms V77I.
Identifiers: ClinVar variation 1789234 (VCV001789234.7), dbSNP rs766603898, ClinGen allele CA1818910.